The following is an entry in ClinVar:

ClinVar aggregate classification (germline): Benign. Review status: criteria provided, multiple submitters, no conflicts (2 of 4 stars). 2 submissions from 2 submitters: Benign (2). Last evaluated 2018-01-13.

Conditions:
Immunodeficiency 67. Also called: Immunodeficiency due to interleukin-1 receptor-associated kinase-4 deficiency. Identifiers: Orphanet 70592, MedGen C1843256, MONDO:0011888, OMIM 607676.

Allele frequency attached by ClinVar (database versions not stated): TOPMed 0.41352; 1000 Genomes Project 30x 0.41677; 1000 Genomes Project 0.42252; gnomAD 0.42335 and 0.42921; gnomAD exomes 0.45455.
gnomAD v4.1: 65,118 of 151,854 alleles (43%); highest among the groups gnomAD compares: South Asian, 52%; 14,416 homozygotes.

Submissions (2):

Illumina Laboratory Services, Illumina
Classification: Benign for Immunodeficiency 67. Last evaluated: 2018-01-13. Review status: criteria provided, single submitter. Criteria: ICSL Variant Classification Criteria 13 December 2019. Collection method: clinical testing. Allele origin: germline.
Comment: This variant was observed in the ICSL laboratory as part of a predisposition screen in an ostensibly healthy population. It had not been previously curated by ICSL or reported in the Human Gene Mutation Database (HGMD: prior to June 1st, 2018), and was therefore a candidate for classification through an automated scoring system. Utilizing variant allele frequency, disease prevalence and penetrance estimates, and inheritance mode, an automated score was calculated to assess if this variant is too frequent to cause the disease. Based on the score and internal cut-off values, a variant classified as benign is not then subjected to further curation. The score for this variant resulted in a classification of benign for this disease.

Breakthrough Genomics
Classification: Benign. Review status: criteria provided, single submitter. Criteria: ACMG Guidelines, 2015. Collection method: not provided. Allele origin: germline. Inheritance: Autosomal recessive inheritance. Affected: yes.

NM_016123.4(IRAK4):c.*2188A>G

Gene: IRAK4 (interleukin 1 receptor associated kinase 4; plus strand). Cytogenetic location: 12q12.
Variant type: single nucleotide variant.
Coding change: c.*2188A>G on transcript NM_016123.4 (MANE Select); 2188 bases downstream of the stop codon, A replaced by G.
Molecular consequence: 3 prime UTR variant.
Genome position (GRCh38, 1-based): chr12:43,788,903, A>G. VCF-style: chr12-43788903-A-G. GRCh37 (hg19) VCF-style: chr12-44182706-A-G.
Other names: c.*2188A>G (NM_001114182.3, NM_001145256.2, NM_001145257.2 and 9 more transcripts).
Identifiers: ClinVar variation 308762 (VCV000308762.6), dbSNP rs1141168, ClinGen allele CA10632804.